The following is an entry in ClinVar:

NM_000264.5(PTCH1):c.4320G>T (p.Arg1440Ser)

Gene: PTCH1 (patched 1; minus strand). Cytogenetic location: 9q22.32.
Variant type: single nucleotide variant.
Coding change: c.4320G>T on transcript NM_000264.5 (MANE Select); coding-DNA position 4320, G replaced by T.
Protein change: p.Arg1440Ser; replaces arginine 1440 with serine.
Molecular consequence: missense variant. On other transcripts: non-coding transcript variant (1).
Genome position (GRCh38, 1-based): chr9:95,446,936, C>A on the plus strand (G>T on the coding strand, the complement: PTCH1 is on the minus strand). VCF-style: chr9-95446936-C-A. GRCh37 (hg19) VCF-style: chr9-98209218-C-A.
Other names: c.4122G>T, p.Arg1374Ser (NM_001083602.3); c.4317G>T, p.Arg1439Ser (NM_001083603.3); c.3867G>T, p.Arg1289Ser (NM_001083604.3, NM_001083605.3, NM_001083606.3 and 1 more transcripts); c.4164G>T, p.Arg1388Ser (NM_001354918.2); short protein forms R1374S, R1388S, R1439S, R1289S, R1440S.
Identifiers: ClinVar variation 957412 (VCV000957412.18), dbSNP rs1837952286, ClinGen allele CA374109834.

ClinVar aggregate classification (germline): Uncertain significance. Review status: criteria provided, multiple submitters, no conflicts (2 of 4 stars). 3 submissions from 3 submitters: Uncertain significance (3). Last evaluated 2025-07-21.

Conditions:
Gorlin syndrome. Also called: Basal cell nevus syndrome; Nevoid Basal Cell Carcinoma Syndrome. Identifiers: Orphanet 377, MedGen C0004779, MONDO:0007187.
Hereditary cancer-predisposing syndrome. Also called: Hereditary neoplastic syndrome; Tumor predisposition; Neoplastic Syndromes, Hereditary; Hereditary Cancer Syndrome. Identifiers: Orphanet 140162, MedGen C0027672, MeSH D009386, MONDO:0015356.

Allele frequency attached by ClinVar (database versions not stated): gnomAD exomes below 0.00001; TOPMed below 0.00001; gnomAD 0.00001.

Submissions (3):

Labcorp Genetics (formerly Invitae), Labcorp
Classification: Uncertain significance for Gorlin syndrome. Last evaluated: 2025-07-21. Review status: criteria provided, single submitter. Criteria: Invitae Variant Classification Sherloc (09022015). Collection method: clinical testing. Allele origin: germline.
Comment: This sequence change replaces arginine, which is basic and polar, with serine, which is neutral and polar, at codon 1440 of the PTCH1 protein (p.Arg1440Ser). This variant is not present in population databases (gnomAD no frequency). This variant has not been reported in the literature in individuals affected with PTCH1-related conditions. ClinVar contains an entry for this variant (Variation ID: 957412). Invitae Evidence Modeling of protein sequence and biophysical properties (such as structural, functional, and spatial information, amino acid conservation, physicochemical variation, residue mobility, and thermodynamic stability) indicates that this missense variant is not expected to disrupt PTCH1 protein function with a negative predictive value of 95%. In summary, the available evidence is currently insufficient to determine the role of this variant in disease. Therefore, it has been classified as a Variant of Uncertain Significance.

GeneDx
Classification: Uncertain significance. Last evaluated: 2024-09-30. Review status: criteria provided, single submitter. Criteria: GeneDx Variant Classification Process June 2021. Collection method: clinical testing. Allele origin: germline. Affected: yes.
Comment: Not observed at significant frequency in large population cohorts (gnomAD); In silico analysis indicates that this missense variant does not alter protein structure/function; Has not been previously published as pathogenic or benign to our knowledge

Ambry Genetics
Classification: Uncertain significance for Hereditary cancer-predisposing syndrome. Last evaluated: 2024-05-16. Review status: criteria provided, single submitter. Criteria: Ambry Variant Classification Scheme 2023. Collection method: clinical testing. Allele origin: germline.
Comment: The p.R1440S variant (also known as c.4320G>T), located in coding exon 23 of the PTCH1 gene, results from a G to T substitution at nucleotide position 4320. The arginine at codon 1440 is replaced by serine, an amino acid with dissimilar properties. This amino acid position is conserved. In addition, this alteration is predicted to be tolerated by in silico analysis. Since supporting evidence is limited at this time, the clinical significance of this alteration remains unclear.